The following is an entry in ClinVar:

ClinVar aggregate classification (germline): Uncertain significance (1 of 4 stars; one submission).

Allele frequency attached by ClinVar (database versions not stated): ExAC 0.00001; gnomAD exomes 0.00001.
gnomAD v4.1: 7 of 1,614,010 alleles (0.00043%); highest among the groups gnomAD compares: African/African-American, 0.0027%; no homozygotes.

Submission:

GeneDx
Classification: Uncertain significance. Last evaluated: 2021-06-22. Review status: criteria provided, single submitter. Criteria: GeneDx Variant Classification Process June 2021. Collection method: clinical testing. Allele origin: germline. Affected: yes.
Comment: In silico analysis supports that this missense variant has a deleterious effect on protein structure/function; Has not been previously published as pathogenic or benign to our knowledge

NM_144687.4(NLRP12):c.658G>A (p.Gly220Arg)

Gene: NLRP12 (NLR family pyrin domain containing 12; minus strand). Cytogenetic location: 19q13.42.
Variant type: single nucleotide variant.
Coding change: c.658G>A on transcript NM_144687.4 (MANE Select); coding-DNA position 658, G replaced by A.
Protein change: p.Gly220Arg; replaces glycine 220 with arginine.
Molecular consequence: missense variant.
Genome position (GRCh38, 1-based): chr19:53,811,001, C>T on the plus strand (G>A on the coding strand, the complement: NLRP12 is on the minus strand). VCF-style: chr19-53811001-C-T. GRCh37 (hg19) VCF-style: chr19-54314255-C-T.
Other names: c.658G>A, p.Gly220Arg (NM_001277126.2, NM_001277129.1); short protein forms G220R.
Identifiers: ClinVar variation 1329523 (VCV001329523.2), dbSNP rs781166780, ClinGen allele CA9639639.